The following is an entry in ClinVar:

NM_001134771.2(SLC12A5):c.107G>A (p.Gly36Glu)

Genes: SLC12A5 (solute carrier family 12 member 5; plus strand), SLC12A5-AS1 (SLC12A5 and MMP9 antisense RNA 1; minus strand), LOC130065980 (ATAC-STARR-seq lymphoblastoid silent region 12971; plus strand). Cytogenetic location: 20q13.12.
Variant type: single nucleotide variant.
Coding change: c.107G>A on transcript NM_001134771.2; coding-DNA position 107, G replaced by A.
Protein change: p.Gly36Glu; replaces glycine 36 with glutamic acid.
Molecular consequence: missense variant. On other transcripts: non-coding transcript variant (1).
Genome position (GRCh38, 1-based): chr20:46,021,872, G>A. VCF-style: chr20-46021872-G-A. GRCh37 (hg19) VCF-style: chr20-44650511-G-A.
Other names: short protein forms G36E.
Identifiers: ClinVar variation 2652357 (VCV002652357.22), dbSNP rs1447779774, ClinGen allele CA409229850.

ClinVar aggregate classification (germline): Uncertain significance (1 of 4 stars; one submission).

gnomAD v4.1: 1 of 1,529,678 alleles (0.000065%); highest among the groups gnomAD compares: Non-Finnish European, 0.000087%; no homozygotes.

Submission:

CeGaT Center for Human Genetics Tuebingen
Classification: Uncertain significance. Last evaluated: 2023-07-01. Review status: criteria provided, single submitter. Criteria: CeGaT Center For Human Genetics Tuebingen Variant Classification Criteria Version 2. Collection method: clinical testing. Allele origin: germline. Affected: yes. Observed: 1 variant allele.
Comment: SLC12A5: PM2, BP4